The following is an entry in ClinVar:

ClinVar aggregate classification (germline): Likely benign. Review status: criteria provided, multiple submitters, no conflicts (2 of 4 stars). 4 submissions from 4 submitters: Likely benign (4). Last evaluated 2025-11-01.

Conditions:
Hereditary cancer-predisposing syndrome. Also called: Hereditary neoplastic syndrome; Neoplastic Syndromes, Hereditary; Hereditary Cancer Syndrome; Tumor predisposition. Identifiers: Orphanet 140162, MedGen C0027672, MeSH D009386, MONDO:0015356.
Cardiovascular phenotype. Identifiers: MedGen CN230736.

Allele frequency attached by ClinVar (database versions not stated): gnomAD exomes 0.00030 and 0.00047; ESP Exome Variant Server 0.00031; gnomAD 0.00031 and 0.00036; TOPMed 0.00034; ExAC 0.00035.
gnomAD v4.1: 731 of 1,614,174 alleles (0.045%); highest among the groups gnomAD compares: Non-Finnish European, 0.057%; no homozygotes.

Submissions (4):

CeGaT Center for Human Genetics Tuebingen
Classification: Likely benign. Last evaluated: 2025-11-01. Review status: criteria provided, single submitter. Criteria: CeGaT Center For Human Genetics Tuebingen Variant Classification Criteria Version 2. Collection method: clinical testing. Allele origin: germline. Affected: yes. Observed: 3 variant alleles.
Comment: OMG: BP4

Ambry Genetics
Classification: Likely benign for Cardiovascular phenotype; Hereditary cancer-predisposing syndrome. Last evaluated: 2025-07-18. Review status: criteria provided, single submitter. Criteria: Ambry Variant Classification Scheme 2023. Collection method: clinical testing. Allele origin: germline.

Sema4
Classification: Likely benign for Hereditary cancer-predisposing syndrome. Last evaluated: 2020-10-18. Review status: criteria provided, single submitter. Criteria: Sema4 Curation Guidelines. Collection method: curation. Allele origin: germline.

Center for Pediatric Genomic Medicine, Children's Mercy Hospital and Clinics
Classification: Likely benign. Last evaluated: 2017-09-13. Review status: criteria provided, single submitter. Criteria: ACMG Guidelines, 2015. Collection method: clinical testing. Allele origin: germline.

NM_002544.5(OMG):c.1222A>G (p.Thr408Ala)

Genes: NF1 (neurofibromin 1; plus strand), OMG (oligodendrocyte myelin glycoprotein; minus strand). Cytogenetic location: 17q11.2.
Variant type: single nucleotide variant.
Coding change: c.1222A>G on transcript NM_002544.5 (MANE Select); coding-DNA position 1222, A replaced by G.
Protein change: p.Thr408Ala; replaces threonine 408 with alanine.
Molecular consequence: missense variant. On other transcripts: intron variant (2).
Genome position (GRCh38, 1-based): chr17:31,295,110, T>C on the plus strand (A>G on the coding strand, the complement: OMG is on the minus strand). VCF-style: chr17-31295110-T-C. GRCh37 (hg19) VCF-style: chr17-29622128-T-C.
Other names: c.4835+29771T>C (NM_001042492.3); c.4772+29771T>C (NM_000267.4); short protein forms T408A.
Identifiers: ClinVar variation 445481 (VCV000445481.39), dbSNP rs143996004, ClinGen allele CA8486508.
Genomic context (GRCh38, chr17:31,295,110, plus strand): 5'-ATGAAGCATTTACTTTCCAAGCATTTGCCACAGAAGGTAATGGAGTCTTTACATTTGTGG[T>C]TGTCTCTTCCCTCCATAAGTTAAGGGTTGTGCTTTGTTGAGGCATTTCAGAGAAATTATT-3'
Protein context (NP_002535.3, residues 398-418): TTLNLWREET[Thr408Ala]TNVKTPLPSV